The following is an entry in ClinVar:

ClinVar aggregate classification (germline): Likely benign (1 of 4 stars; one submission).

Conditions:
ADCY3-related disorder. Also called: ADCY3-related condition.

gnomAD v4.1: 1 of 1,613,844 alleles (0.000062%); highest among the groups gnomAD compares: South Asian, 0.0011%; no homozygotes.

Submission:

PreventionGenetics, part of Exact Sciences
Classification: Likely benign for ADCY3-related condition. Last evaluated: 2025-01-15. Review status: criteria provided, single submitter. Criteria: ACMG Guidelines, 2015. Collection method: clinical testing. Allele origin: germline.
Comment: This variant is classified as likely benign based on ACMG/AMP sequence variant interpretation guidelines (Richards et al. 2015 PMID: 25741868, with internal and published modifications).

NM_004036.5(ADCY3):c.1320T>C (p.Thr440=)

Gene: ADCY3 (adenylate cyclase 3; minus strand). Cytogenetic location: 2p23.3.
Variant type: single nucleotide variant.
Coding change: c.1320T>C on transcript NM_004036.5 (MANE Select); coding-DNA position 1320, T replaced by C.
Protein change: p.Thr440=; no amino-acid change (threonine 440 retained).
Molecular consequence: synonymous variant.
Genome position (GRCh38, 1-based): chr2:24,839,908, A>G on the plus strand (T>C on the coding strand, the complement: ADCY3 is on the minus strand). VCF-style: chr2-24839908-A-G. GRCh37 (hg19) VCF-style: chr2-25062777-A-G.
Other names: c.1320T>C, p.Thr440= (NM_001320613.2, NM_001377128.1, NM_001377129.1 and 2 more transcripts); c.597T>C, p.Thr199= (NM_001377131.1).
Identifiers: ClinVar variation 4981691 (VCV004981691.1).
Genomic context (GRCh38, chr2:24,839,908, plus strand): 5'-CCTGCCCCCTTGGAATGGCACTCACCCAGGGATGCCGCCGGCCTCCATCTTGTTGGCTAC[A>G]GTGACATCAGTCGACCACACGTCGTACTGCCAGCGCTTCTGGCCCAGGACGCCCCCCAGC-3'
Protein context (NP_004027.2, residues 430-450): WQYDVWSTDV[Thr440=]VANKMEAGGI